The following is an entry in ClinVar:

ClinVar aggregate classification (germline): Uncertain significance (1 of 4 stars; one submission).

Submission:

Labcorp Genetics (formerly Invitae), Labcorp
Classification: Uncertain significance. Last evaluated: 2025-09-03. Review status: criteria provided, single submitter. Criteria: Invitae Variant Classification Sherloc (09022015). Collection method: clinical testing. Allele origin: germline.
Comment: This sequence change replaces aspartic acid, which is acidic and polar, with tyrosine, which is neutral and polar, at codon 298 of the BGN protein (p.Asp298Tyr). This variant is not present in population databases (gnomAD no frequency). This variant has not been reported in the literature in individuals affected with BGN-related conditions. Invitae Evidence Modeling of protein sequence and biophysical properties (such as structural, functional, and spatial information, amino acid conservation, physicochemical variation, residue mobility, and thermodynamic stability) indicates that this missense variant is not expected to disrupt BGN protein function with a negative predictive value of 80%. In summary, the available evidence is currently insufficient to determine the role of this variant in disease. Therefore, it has been classified as a Variant of Uncertain Significance.

NM_001711.6(BGN):c.892G>T (p.Asp298Tyr)

Gene: BGN (biglycan; plus strand). Cytogenetic location: Xq28.
Variant type: single nucleotide variant.
Coding change: c.892G>T on transcript NM_001711.6 (MANE Select); coding-DNA position 892, G replaced by T.
Protein change: p.Asp298Tyr; replaces aspartic acid 298 with tyrosine.
Molecular consequence: missense variant.
Genome position (GRCh38, 1-based): chrX:153,507,168, G>T. VCF-style: chrX-153507168-G-T. GRCh37 (hg19) VCF-style: chrX-152772626-G-T.
Other names: short protein forms D298Y.
Identifiers: ClinVar variation 4743622 (VCV004743622.1).
Genomic context (GRCh38, chrX:153,507,168, plus strand): 5'-ACCCTCCGGGAGCTCCACTTGGACAACAACAAGTTGGCCAGGGTGCCCTCAGGGCTCCCA[G>T]ACCTCAAGCTCCTCCAGGTGAGAGCTGGGCATGCACAGCCAGGTTCCCTAAGGCTGGGCT-3'
Protein context (NP_001702.1, residues 288-308): KLARVPSGLP[Asp298Tyr]LKLLQVVYLH